The following is an entry in ClinVar:

ClinVar aggregate classification (germline): Benign/Likely benign. Review status: criteria provided, multiple submitters, no conflicts (2 of 4 stars). 2 submissions from 2 submitters: Benign (1); Likely benign (1). Last evaluated 2024-10-25.

Conditions:
Birt-Hogg-Dube syndrome 1 (BHD1). Also called: FIBROFOLLICULOMAS WITH TRICHODISCOMAS AND ACROCHORDONS. Identifiers: Orphanet 122, MedGen CN375946, MONDO:0800445, OMIM 135150.
Hereditary cancer-predisposing syndrome. Also called: Hereditary Cancer Syndrome; Hereditary neoplastic syndrome; Neoplastic Syndromes, Hereditary; Tumor predisposition. Identifiers: Orphanet 140162, MedGen C0027672, MeSH D009386, MONDO:0015356.

Allele frequency attached by ClinVar (database versions not stated): gnomAD exomes below 0.00001.
gnomAD v4.1: 2 of 1,614,196 alleles (0.00012%); highest among the groups gnomAD compares: South Asian, 0.0011%; no homozygotes.

Submissions (2):

Myriad Genetics, Inc.
Classification: Benign for Birt-Hogg-Dube syndrome 1. Last evaluated: 2024-10-25. Review status: criteria provided, single submitter. Criteria: Myriad Autosomal Dominant, Autosomal Recessive and X-Linked Classification Criteria (2023). Collection method: clinical testing. Allele origin: unknown.
Comment: This variant is considered benign. This variant is a silent/synonymous amino acid change and it is not expected to impact splicing.

Ambry Genetics
Classification: Likely benign for Hereditary cancer-predisposing syndrome. Last evaluated: 2021-07-26. Review status: criteria provided, single submitter. Criteria: Ambry Variant Classification Scheme 2023. Collection method: clinical testing. Allele origin: germline.

NM_144997.7(FLCN):c.1497G>A (p.Val499=)

Gene: FLCN (folliculin; minus strand). Cytogenetic location: 17p11.2.
Variant type: single nucleotide variant.
Coding change: c.1497G>A on transcript NM_144997.7 (MANE Select); coding-DNA position 1497, G replaced by A.
Protein change: p.Val499=; no amino-acid change (valine 499 retained).
Molecular consequence: synonymous variant.
Genome position (GRCh38, 1-based): chr17:17,215,026, C>T on the plus strand (G>A on the coding strand, the complement: FLCN is on the minus strand). VCF-style: chr17-17215026-C-T. GRCh37 (hg19) VCF-style: chr17-17118340-C-T.
Other names: c.1551G>A, p.Val517= (NM_001353229.2); c.1497G>A, p.Val499= (NM_001353230.2, NM_001353231.2).
Identifiers: ClinVar variation 1773904 (VCV001773904.3), dbSNP rs939272152, ClinGen allele CA498421029.
Genomic context (GRCh38, chr17:17,215,026, plus strand): 5'-CACCCACACTGTTGCTTACTTCATCCACTCCTCCTTGAGGCAGACGAGGCACTGGTCCAC[C>T]ACATCCACAGACAGGTTCTGGTTGGTCAGAGCCGCTTCAATCTTATTCAGGATGGTGGGG-3'
Protein context (NP_659434.2, residues 489-509): ALTNQNLSVD[Val499=]VDQCLVCLKE